The following is an entry in ClinVar:

NM_032603.5(LOXL3):c.5G>A (p.Arg2Gln)

Genes: DOK1 (docking protein 1; plus strand), LOXL3 (lysyl oxidase like 3; minus strand). Cytogenetic location: 2p13.1.
Variant type: single nucleotide variant.
Coding change: c.5G>A on transcript NM_032603.5 (MANE Select); coding-DNA position 5, G replaced by A.
Protein change: p.Arg2Gln; replaces arginine 2 with glutamine.
Molecular consequence: missense variant. On other transcripts: intron variant (1).
Genome position (GRCh38, 1-based): chr2:74,552,630, C>T on the plus strand (G>A on the coding strand, the complement: LOXL3 is on the minus strand). VCF-style: chr2-74552630-C-T. GRCh37 (hg19) VCF-style: chr2-74779757-C-T.
Other names: c.5G>A, p.Arg2Gln (NM_001289164.3); c.-357-2524C>T (NM_001197260.2); short protein forms R2Q.
Identifiers: ClinVar variation 1516700 (VCV001516700.6), dbSNP rs748632204, ClinGen allele CA1729284.

ClinVar aggregate classification (germline): Uncertain significance. Review status: criteria provided, multiple submitters, no conflicts (2 of 4 stars). 2 submissions from 2 submitters: Uncertain significance (2). Last evaluated 2023-06-22.

Conditions:
Myopia 28, autosomal recessive (MYP28). Identifiers: MedGen C5676935, MONDO:0030697, OMIM 619781.

Allele frequency attached by ClinVar (database versions not stated): gnomAD 0.00006 and 0.00007; TOPMed 0.00011; gnomAD exomes 0.00009.
gnomAD v4.1: 106 of 1,552,232 alleles (0.0068%); highest among the groups gnomAD compares: Admixed American, 0.015%; no homozygotes.

Submissions (2):

Ambry Genetics
Classification: Uncertain significance. Last evaluated: 2023-06-22. Review status: criteria provided, single submitter. Criteria: Ambry Variant Classification Scheme 2023. Collection method: clinical testing. Allele origin: germline.

Labcorp Genetics (formerly Invitae), Labcorp
Classification: Uncertain significance. Last evaluated: 2022-08-16. Review status: criteria provided, single submitter. Criteria: Invitae Variant Classification Sherloc (09022015). Collection method: clinical testing. Allele origin: germline.
Comment: This sequence change replaces arginine, which is basic and polar, with glutamine, which is neutral and polar, at codon 2 of the LOXL3 protein (p.Arg2Gln). This variant is present in population databases (rs748632204, gnomAD 0.02%). This variant has not been reported in the literature in individuals affected with LOXL3-related conditions. ClinVar contains an entry for this variant (Variation ID: 1516700). Algorithms developed to predict the effect of missense changes on protein structure and function output the following: SIFT: "Tolerated"; PolyPhen-2: "Benign"; Align-GVGD: "Class C0". The glutamine amino acid residue is found in multiple mammalian species, which suggests that this missense change does not adversely affect protein function. In summary, the available evidence is currently insufficient to determine the role of this variant in disease. Therefore, it has been classified as a Variant of Uncertain Significance.